The following is an entry in ClinVar:

NM_001267550.2(TTN):c.38960-8C>G

Gene: TTN (titin; minus strand). Cytogenetic location: 2q31.2.
Variant type: single nucleotide variant.
Coding change: c.38960-8C>G on transcript NM_001267550.2 (MANE Select); 8 bases into the intron before coding-DNA position 38960, C replaced by G.
Molecular consequence: intron variant.
Genome position (GRCh38, 1-based): chr2:178,652,744, G>C on the plus strand (C>G on the coding strand, the complement: TTN is on the minus strand). VCF-style: chr2-178652744-G-C. GRCh37 (hg19) VCF-style: chr2-179517471-G-C.
Other names: c.13283-10427C>G (NM_003319.4); c.13859-10427C>G (NM_133437.4); c.13658-10427C>G (NM_133432.3); c.31742-203C>G (NM_133378.4); c.34523-203C>G (NM_001256850.1).
Identifiers: ClinVar variation 4530850 (VCV004530850.1).

ClinVar aggregate classification (germline): Uncertain significance (1 of 4 stars; one submission).

gnomAD v4.1: 16 of 1,612,016 alleles (0.00099%); highest among the groups gnomAD compares: East Asian, 0.0022%; no homozygotes.

Submission:

GeneDx
Classification: Uncertain significance. Last evaluated: 2025-05-21. Review status: criteria provided, single submitter. Criteria: GeneDx Variant Classification Process June 2021. Collection method: clinical testing. Allele origin: germline. Affected: yes.
Comment: Not observed at significant frequency in large population cohorts (gnomAD); In silico analysis suggests that this variant does not alter splicing; Has not been previously published as pathogenic or benign to our knowledge